The following is an entry in ClinVar:

ClinVar aggregate classification (germline): Uncertain significance (1 of 4 stars; one submission).

Conditions:
Oligodontia-cancer predisposition syndrome. Also called: TOOTH AGENESIS-COLORECTAL CANCER SYNDROME. Identifiers: Orphanet 300576, MedGen C1837750, MONDO:0012075, OMIM 608615. Disease mechanism: loss of function.

Submission:

Labcorp Genetics (formerly Invitae), Labcorp
Classification: Uncertain significance for Oligodontia-cancer predisposition syndrome. Last evaluated: 2025-01-27. Review status: criteria provided, single submitter. Criteria: Invitae Variant Classification Sherloc (09022015). Collection method: clinical testing. Allele origin: germline.
Comment: This sequence change replaces cysteine, which is neutral and slightly polar, with glycine, which is neutral and non-polar, at codon 715 of the AXIN2 protein (p.Cys715Gly). This variant is not present in population databases (gnomAD no frequency). This variant has not been reported in the literature in individuals affected with AXIN2-related conditions. ClinVar contains an entry for this variant (Variation ID: 2002402). An algorithm developed to predict the effect of missense changes on protein structure and function (PolyPhen-2) suggests that this variant is likely to be disruptive. Algorithms developed to predict the effect of sequence changes on RNA splicing suggest that this variant may disrupt the consensus splice site. In summary, the available evidence is currently insufficient to determine the role of this variant in disease. Therefore, it has been classified as a Variant of Uncertain Significance.

NM_004655.4(AXIN2):c.2143T>G (p.Cys715Gly)

Gene: AXIN2 (axin 2; minus strand). Cytogenetic location: 17q24.1.
Variant type: single nucleotide variant.
Coding change: c.2143T>G on transcript NM_004655.4 (MANE Select); coding-DNA position 2143, T replaced by G.
Protein change: p.Cys715Gly; replaces cysteine 715 with glycine.
Molecular consequence: missense variant.
Genome position (GRCh38, 1-based): chr17:65,535,720, A>C on the plus strand (T>G on the coding strand, the complement: AXIN2 is on the minus strand). VCF-style: chr17-65535720-A-C. GRCh37 (hg19) VCF-style: chr17-63531838-A-C.
Other names: c.1948T>G, p.Cys650Gly (NM_001363813.1); short protein forms C650G, C715G.
Identifiers: ClinVar variation 2002402 (VCV002002402.4), dbSNP rs2509397579, ClinGen allele CA400675889.
Genomic context (GRCh38, chr17:65,535,720, plus strand): 5'-TGGCTCCCGTCTGAACAGTGGCCGAATGATTCCTGTCCCTCTGCTGACTGGCCACACAGC[A>C]CCTGAGGACACAGCCAGGGCGAGGGATTTAGAGGTACACTGTTGTCCCCAGAGCAATTGA-3'
Protein context (NP_004646.3, residues 705-725): AEVSKPPKQR[Cys715Gly]CVASQQRDRN